The following is an entry in ClinVar:

NM_001083962.2(TCF4):c.1379C>T (p.Ala460Val)

Gene: TCF4 (transcription factor 4; minus strand). Cytogenetic location: 18q21.2.
Variant type: single nucleotide variant.
Coding change: c.1379C>T on transcript NM_001083962.2 (MANE Select); coding-DNA position 1379, C replaced by T.
Protein change: p.Ala460Val; replaces alanine 460 with valine.
Molecular consequence: missense variant.
Genome position (GRCh38, 1-based): chr18:55,234,655, G>A on the plus strand (C>T on the coding strand, the complement: TCF4 is on the minus strand). VCF-style: chr18-55234655-G-A. GRCh37 (hg19) VCF-style: chr18-52901886-G-A.
Other names: c.1685C>T, p.Ala562Val (NM_001243226.3); c.1307C>T, p.Ala436Val (NM_001243227.2, NM_001306207.1, NM_001348217.1 and 5 more transcripts); c.1397C>T, p.Ala466Val (NM_001243228.2); c.1370C>T, p.Ala457Val (NM_001243230.2); c.1253C>T, p.Ala418Val (NM_001243231.2, NM_001348211.2); c.1166C>T, p.Ala389Val (NM_001243232.1, NM_001306208.1); c.989C>T, p.Ala330Val (NM_001243233.2, NM_001330605.3, NM_001348212.2 and 1 more transcripts); c.899C>T, p.Ala300Val (NM_001243234.2, NM_001243235.2, NM_001243236.2 and 1 more transcripts); and 6 more; short protein forms A244V, A299V, A300V, A330V, A389V, A418V, A435V, A436V.
Identifiers: ClinVar variation 1305354 (VCV001305354.2), dbSNP rs2144678680, ClinGen allele CA402532039.

ClinVar aggregate classification (germline): Uncertain significance (1 of 4 stars; one submission).

Submission:

GeneDx
Classification: Uncertain significance. Last evaluated: 2019-04-26. Review status: criteria provided, single submitter. Criteria: GeneDx Variant Classification Process June 2021. Collection method: clinical testing. Allele origin: germline. Affected: yes.
Comment: Not observed in large population cohorts (Lek et al., 2016); In silico analysis, which includes protein predictors and evolutionary conservation, supports a deleterious effect; Has not been previously published as pathogenic or benign to our knowledge